The following is an entry in ClinVar:

NM_003906.5(MCM3AP):c.762A>G (p.Val254=)

Gene: MCM3AP (minichromosome maintenance complex component 3 associated protein; minus strand). Cytogenetic location: 21q22.3.
Variant type: single nucleotide variant.
Coding change: c.762A>G on transcript NM_003906.5 (MANE Select); coding-DNA position 762, A replaced by G.
Protein change: p.Val254=; no amino-acid change (valine 254 retained).
Molecular consequence: synonymous variant.
Genome position (GRCh38, 1-based): chr21:46,284,525, T>C on the plus strand (A>G on the coding strand, the complement: MCM3AP is on the minus strand). VCF-style: chr21-46284525-T-C. GRCh37 (hg19) VCF-style: chr21-47704439-T-C.
Identifiers: ClinVar variation 2958442 (VCV002958442.4), dbSNP rs776466620, ClinGen allele CA10077274.

ClinVar aggregate classification (germline): Likely benign. Review status: criteria provided, multiple submitters, no conflicts (2 of 4 stars). 2 submissions from 2 submitters: Likely benign (2). Last evaluated 2026-08-01.

Allele frequency attached by ClinVar (database versions not stated): TOPMed below 0.00001; ExAC 0.00001; gnomAD exomes 0.00001.
gnomAD v4.1: 11 of 1,614,210 alleles (0.00068%); highest among the groups gnomAD compares: South Asian, 0.0011%; no homozygotes.

Submissions (2):

CeGaT Center for Human Genetics Tuebingen
Classification: Likely benign. Last evaluated: 2026-08-01. Review status: criteria provided, single submitter. Criteria: CeGaT Center For Human Genetics Tuebingen Variant Classification Criteria Version 2. Collection method: clinical testing. Allele origin: germline. Affected: yes. Observed: 1 variant allele.
Comment: MCM3AP: BP4, BP7

Labcorp Genetics (formerly Invitae), Labcorp
Classification: Likely benign. Last evaluated: 2025-05-05. Review status: criteria provided, single submitter. Criteria: Invitae Variant Classification Sherloc (09022015). Collection method: clinical testing. Allele origin: germline.